The following is an entry in ClinVar:

NM_004333.6(BRAF):c.1140+815A>G

Gene: BRAF (B-Raf proto-oncogene, serine/threonine kinase; minus strand). Cytogenetic location: 7q34.
Variant type: single nucleotide variant.
Coding change: c.1140+815A>G on transcript NM_004333.6 (MANE Select); 815 bases into the intron after coding-DNA position 1140, A replaced by G.
Molecular consequence: intron variant.
Genome position (GRCh38, 1-based): chr7:140,793,493, T>C on the plus strand (A>G on the coding strand, the complement: BRAF is on the minus strand). VCF-style: chr7-140793493-T-C. GRCh37 (hg19) VCF-style: chr7-140493293-T-C.
Other names: c.1140+815A>G (NM_001378474.1, NM_001378471.1, NM_001378468.1 and 4 more transcripts); c.1038+815A>G (NM_001378470.1); c.876+815A>G (NM_001378475.1); c.1149+815A>G (NM_001378467.1); c.984+815A>G (NM_001378472.1, NM_001378473.1).
Identifiers: ClinVar variation 2658066 (VCV002658066.24), dbSNP rs552098508, ClinGen allele CA168100138.

ClinVar aggregate classification (germline): Likely benign (1 of 4 stars; one submission).

Allele frequency attached by ClinVar (database versions not stated): gnomAD 0.00010; TOPMed 0.00010; 1000 Genomes Project 0.00080; 1000 Genomes Project 30x 0.00094.
gnomAD v4.1: 16 of 152,050 alleles (0.011%); highest among the groups gnomAD compares: South Asian, 0.15%; no homozygotes.

Submission:

CeGaT Center for Human Genetics Tuebingen
Classification: Likely benign. Last evaluated: 2026-03-01. Review status: criteria provided, single submitter. Criteria: CeGaT Center For Human Genetics Tuebingen Variant Classification Criteria Version 2. Collection method: clinical testing. Allele origin: germline. Affected: yes. Observed: 4 variant alleles.
Comment: BRAF: BS1